The following is an entry in ClinVar:

NM_000089.4(COL1A2):c.2349del (p.Gly784fs)

Gene: COL1A2 (collagen type I alpha 2 chain; plus strand). Cytogenetic location: 7q21.3.
Variant type: Deletion.
Coding change: c.2349del on transcript NM_000089.4 (MANE Select); coding-DNA position 2349, one base deleted (T; older notation c.2349delT).
Protein change: p.Gly784fs; shifts the reading frame from glycine 784.
Molecular consequence: frameshift variant.
Genome position (GRCh38, 1-based): chr7:94,421,062, T deleted. VCF-style (leftmost placement, unchanged base first): chr7-94421061-CT-C. GRCh37 (hg19) VCF-style: chr7-94050373-CT-C.
Other names: short protein forms G784fs.
Identifiers: ClinVar variation 3748464 (VCV003748464.2).

ClinVar aggregate classification (germline): Pathogenic (1 of 4 stars; one submission).

Conditions:
Ehlers-Danlos syndrome, classic type, 1 (EDSCL1). Also called: EHLERS-DANLOS SYNDROME, GRAVIS TYPE; EHLERS-DANLOS SYNDROME, SEVERE CLASSIC TYPE; Ehlers-Danlos syndrome, type 1; Ehlers-Danlos Syndrome, Classic Type, COL5A1-Related; EDS I. Identifiers: MedGen C0268335, MONDO:0019567, OMIM 130000.
Osteogenesis imperfecta type I (OI1). Also called: OI, TYPE I; OSTEOGENESIS IMPERFECTA TARDA; OSTEOGENESIS IMPERFECTA WITH BLUE SCLERAE; Osteogenesis imperfecta type 1; Lobstein's Disease; Lobstein disease. Identifiers: Orphanet 216796, Orphanet 666, MedGen C0023931, MONDO:0008146, OMIM 166200. Disease mechanism: loss of function.

Submission:

Labcorp Genetics (formerly Invitae), Labcorp
Classification: Pathogenic for Osteogenesis imperfecta type I; Ehlers-Danlos syndrome, classic type, 1. Last evaluated: 2024-08-08. Review status: criteria provided, single submitter. Criteria: Invitae Variant Classification Sherloc (09022015). Collection method: clinical testing. Allele origin: germline.
Comment: This sequence change creates a premature translational stop signal (p.Gly784Valfs*2) in the COL1A2 gene. It is expected to result in an absent or disrupted protein product. Loss-of-function variants in COL1A2 are known to be pathogenic (PMID: 11288717, 15077201). This variant is not present in population databases (gnomAD no frequency). This variant has not been reported in the literature in individuals affected with COL1A2-related conditions. Algorithms developed to predict the effect of sequence changes on RNA splicing suggest that this variant may disrupt the consensus splice site. For these reasons, this variant has been classified as Pathogenic.

Literature cited by the submitters: PubMed 11288717; PubMed 15077201.